The following is an entry in ClinVar:

ClinVar aggregate classification (germline): Uncertain significance. Review status: criteria provided, multiple submitters, no conflicts (2 of 4 stars). 2 submissions from 2 submitters: Uncertain significance (2). Last evaluated 2025-12-30.

Conditions:
Inborn genetic diseases. Identifiers: MedGen C0950123, MeSH D030342.

Allele frequency attached by ClinVar (database versions not stated): gnomAD exomes below 0.00001.
gnomAD v4.1: 1 of 1,614,218 alleles (0.000062%); highest among the groups gnomAD compares: African/African-American, 0.0013%; no homozygotes.

Submissions (2):

Labcorp Genetics (formerly Invitae), Labcorp
Classification: Uncertain significance. Last evaluated: 2025-12-30. Review status: criteria provided, single submitter. Criteria: Invitae Variant Classification Sherloc (09022015). Collection method: clinical testing. Allele origin: germline.
Comment: This sequence change replaces isoleucine, which is neutral and non-polar, with methionine, which is neutral and non-polar, at codon 1067 of the MYH3 protein (p.Ile1067Met). This variant is present in population databases (rs200537879, gnomAD 0.007%). This variant has not been reported in the literature in individuals affected with MYH3-related conditions. ClinVar contains an entry for this variant (Variation ID: 3157631). Invitae Evidence Modeling of protein sequence and biophysical properties (such as structural, functional, and spatial information, amino acid conservation, physicochemical variation, residue mobility, and thermodynamic stability) indicates that this missense variant is not expected to disrupt MYH3 protein function with a negative predictive value of 95%. In summary, the available evidence is currently insufficient to determine the role of this variant in disease. Therefore, it has been classified as a Variant of Uncertain Significance.

Ambry Genetics
Classification: Uncertain significance for Inborn genetic diseases. Last evaluated: 2024-01-23. Review status: criteria provided, single submitter. Criteria: Ambry Variant Classification Scheme 2023. Collection method: clinical testing. Allele origin: germline.

NM_002470.4(MYH3):c.3201A>G (p.Ile1067Met)

Gene: MYH3 (myosin heavy chain 3; minus strand). Cytogenetic location: 17p13.1.
Variant type: single nucleotide variant.
Coding change: c.3201A>G on transcript NM_002470.4 (MANE Select); coding-DNA position 3201, A replaced by G.
Protein change: p.Ile1067Met; replaces isoleucine 1067 with methionine.
Molecular consequence: missense variant.
Genome position (GRCh38, 1-based): chr17:10,639,091, T>C on the plus strand (A>G on the coding strand, the complement: MYH3 is on the minus strand). VCF-style: chr17-10639091-T-C. GRCh37 (hg19) VCF-style: chr17-10542408-T-C.
Other names: short protein forms I1067M.
Identifiers: ClinVar variation 3157631 (VCV003157631.2), dbSNP rs200537879, ClinGen allele CA287784386.